The following is an entry in ClinVar:

NM_001256447.2(BCAP31):c.313A>G (p.Ile105Val)

Gene: BCAP31 (B cell receptor associated protein 31; minus strand). Cytogenetic location: Xq28.
Variant type: single nucleotide variant.
Coding change: c.313A>G on transcript NM_001256447.2 (MANE Select); coding-DNA position 313, A replaced by G.
Protein change: p.Ile105Val; replaces isoleucine 105 with valine.
Molecular consequence: missense variant.
Genome position (GRCh38, 1-based): chrX:153,715,570, T>C on the plus strand (A>G on the coding strand, the complement: BCAP31 is on the minus strand). VCF-style: chrX-153715570-T-C. GRCh37 (hg19) VCF-style: chrX-152981025-T-C.
Other names: c.313A>G, p.Ile105Val (NM_001139441.1, NM_005745.8); c.514A>G, p.Ile172Val (NM_001139457.2); short protein forms I172V, I105V.
Identifiers: ClinVar variation 1426873 (VCV001426873.7), dbSNP rs373891883, ClinGen allele CA10549801.

ClinVar aggregate classification (germline): Conflicting classifications of pathogenicity. Review status: criteria provided, conflicting classifications (1 of 4 stars). 2 submissions from 2 submitters: Uncertain significance (1); Likely benign (1). Last evaluated 2026-06-04.

Conditions:
BCAP31-related disorder. Also called: BCAP31-related condition.

Allele frequency attached by ClinVar (database versions not stated): ExAC 0.00002; gnomAD exomes 0.00003; gnomAD 0.00006 and 0.00007; TOPMed 0.00008; ESP Exome Variant Server 0.00009.
gnomAD v4.1: 36 of 1,209,473 alleles (0.003%); highest among the groups gnomAD compares: Non-Finnish European, 0.0036%; no homozygotes.

Submissions (2):

PreventionGenetics, part of Exact Sciences
Classification: Likely benign for BCAP31-related condition. Last evaluated: 2026-06-04. Review status: criteria provided, single submitter. Criteria: ACMG Guidelines, 2015. Collection method: clinical testing. Allele origin: germline.
Comment: This variant is classified as likely benign based on ACMG/AMP sequence variant interpretation guidelines (Richards et al. 2015 PMID: 25741868, with internal and published modifications).

Labcorp Genetics (formerly Invitae), Labcorp
Classification: Uncertain significance. Last evaluated: 2025-11-17. Review status: criteria provided, single submitter. Criteria: Invitae Variant Classification Sherloc (09022015). Collection method: clinical testing. Allele origin: germline.
Comment: This sequence change replaces isoleucine, which is neutral and non-polar, with valine, which is neutral and non-polar, at codon 105 of the BCAP31 protein (p.Ile105Val). This variant is present in population databases (rs373891883, gnomAD 0.007%). This variant has not been reported in the literature in individuals affected with BCAP31-related conditions. ClinVar contains an entry for this variant (Variation ID: 1426873). An algorithm developed to predict the effect of missense changes on protein structure and function (PolyPhen-2) suggests that this variant is likely to be disruptive. In summary, the available evidence is currently insufficient to determine the role of this variant in disease. Therefore, it has been classified as a Variant of Uncertain Significance.